The following is an entry in ClinVar:

ClinVar aggregate classification (germline): Pathogenic (1 of 4 stars; one submission).

Conditions:
Citrullinemia. Identifiers: Orphanet 187, MedGen C0175683, MONDO:0015991.

Allele frequency attached by ClinVar (database versions not stated): gnomAD exomes below 0.00001.
gnomAD v4.1: 1 of 1,614,076 alleles (0.000062%); highest among the groups gnomAD compares: African/African-American, 0.0013%; no homozygotes.

Submission:

Labcorp Genetics (formerly Invitae), Labcorp
Classification: Pathogenic for Citrullinemia. Last evaluated: 2021-08-23. Review status: criteria provided, single submitter. Criteria: Invitae Variant Classification Sherloc (09022015). Collection method: clinical testing. Allele origin: germline.
Comment: This sequence change creates a premature translational stop signal (p.Gln125*) in the ASS1 gene. It is expected to result in an absent or disrupted protein product. Loss-of-function variants in ASS1 are known to be pathogenic (PMID: 18473344, 19006241). This variant is not present in population databases (ExAC no frequency). This variant has not been reported in the literature in individuals affected with ASS1-related conditions. For these reasons, this variant has been classified as Pathogenic.

Literature cited by the submitters: PubMed 18473344; PubMed 19006241.

NM_054012.4(ASS1):c.373C>T (p.Gln125Ter)

Gene: ASS1 (argininosuccinate synthase 1; plus strand). Cytogenetic location: 9q34.11.
Variant type: single nucleotide variant.
Coding change: c.373C>T on transcript NM_054012.4 (MANE Select); coding-DNA position 373, C replaced by T.
Protein change: p.Gln125Ter; replaces glutamine 125 with a stop codon.
Molecular consequence: nonsense.
Genome position (GRCh38, 1-based): chr9:130,464,120, C>T. VCF-style: chr9-130464120-C-T. GRCh37 (hg19) VCF-style: chr9-133339507-C-T.
Other names: c.373C>T, p.Gln125Ter (NM_000050.4); short protein forms Q125*.
Identifiers: ClinVar variation 1460356 (VCV001460356.6), dbSNP rs2131879687, ClinGen allele CA375225769.